The following is an entry in ClinVar:

ClinVar aggregate classification (germline): Uncertain significance (1 of 4 stars; one submission).

Conditions:
Developmental and epileptic encephalopathy, 9 (DEE9). Also called: PCDH19-Related X-Linked Female-Limited Epilepsy with Mental Retardation; Early infantile epileptic encephalopathy 9; JUBERG-HELLMAN SYNDROME; EPILEPSY, FEMALE-RESTRICTED, WITH MENTAL RETARDATION. Identifiers: Orphanet 101039, Orphanet 2076, MedGen C1848137, MONDO:0010246, OMIM 300088. Disease mechanism: loss of function.

Allele frequency attached by ClinVar (database versions not stated): TOPMed below 0.00001.

Submission:

Labcorp Genetics (formerly Invitae), Labcorp
Classification: Uncertain significance for Developmental and epileptic encephalopathy, 9. Last evaluated: 2024-03-04. Review status: criteria provided, single submitter. Criteria: Invitae Variant Classification Sherloc (09022015). Collection method: clinical testing. Allele origin: germline.
Comment: This sequence change replaces alanine, which is neutral and non-polar, with threonine, which is neutral and polar, at codon 13 of the PCDH19 protein (p.Ala13Thr). This variant is not present in population databases (gnomAD no frequency). This variant has not been reported in the literature in individuals affected with PCDH19-related conditions. Advanced modeling of protein sequence and biophysical properties (such as structural, functional, and spatial information, amino acid conservation, physicochemical variation, residue mobility, and thermodynamic stability) performed at Invitae indicates that this missense variant is not expected to disrupt PCDH19 protein function with a negative predictive value of 95%. In summary, the available evidence is currently insufficient to determine the role of this variant in disease. Therefore, it has been classified as a Variant of Uncertain Significance.

NM_001184880.2(PCDH19):c.37G>A (p.Ala13Thr)

Gene: PCDH19 (protocadherin 19; minus strand). Cytogenetic location: Xq22.1.
Variant type: single nucleotide variant.
Coding change: c.37G>A on transcript NM_001184880.2 (MANE Select); coding-DNA position 37, G replaced by A.
Protein change: p.Ala13Thr; replaces alanine 13 with threonine.
Molecular consequence: missense variant.
Genome position (GRCh38, 1-based): chrX:100,408,561, C>T on the plus strand (G>A on the coding strand, the complement: PCDH19 is on the minus strand). VCF-style: chrX-100408561-C-T. GRCh37 (hg19) VCF-style: chrX-99663559-C-T.
Other names: c.37G>A, p.Ala13Thr (NM_001105243.2, NM_020766.3); short protein forms A13T.
Identifiers: ClinVar variation 3008888 (VCV003008888.3), dbSNP rs1928484938, ClinGen allele CA414011515.
Genomic context (GRCh38, chrX:100,408,561, plus strand): 5'-GCTCCTCTTCTACCGAGTACTTGAGATTAATGAGGGCGGCAGCCTGCGTCCACAGTATGG[C>T]CAGCAGCAGCAGCACCGGCAGCAGGAGCGACTCCATGGCTGCACGGGGCTCTGCCTGGCC-3'
Protein context (NP_001171809.1, residues 3-23): SLLLPVLLLL[Ala13Thr]ILWTQAAALI